The following is an entry in ClinVar:

NM_001127222.2(CACNA1A):c.2403G>C (p.Glu801Asp)

Gene: CACNA1A (calcium voltage-gated channel subunit alpha1 A; minus strand). Cytogenetic location: 19p13.13.
Variant type: single nucleotide variant.
Coding change: c.2403G>C on transcript NM_001127222.2 (MANE Select); coding-DNA position 2403, G replaced by C.
Protein change: p.Glu801Asp; replaces glutamic acid 801 with aspartic acid.
Molecular consequence: missense variant.
Genome position (GRCh38, 1-based): chr19:13,299,230, C>G on the plus strand (G>C on the coding strand, the complement: CACNA1A is on the minus strand). VCF-style: chr19-13299230-C-G. GRCh37 (hg19) VCF-style: chr19-13410044-C-G.
Other names: c.2415G>C, p.Glu805Asp (NM_000068.4, NM_023035.3); c.2406G>C, p.Glu802Asp (NM_001127221.2, NM_001174080.2); short protein forms E805D, E801D, E802D.
Identifiers: ClinVar variation 4993897 (VCV004993897.1).

ClinVar aggregate classification (germline): Uncertain significance (1 of 4 stars; one submission).

Conditions:
CACNA1A-related disorder. Also called: CACNA1A-related condition.

Submission:

PreventionGenetics, part of Exact Sciences
Classification: Uncertain significance for CACNA1A-related condition. Last evaluated: 2026-07-27. Review status: criteria provided, single submitter. Criteria: ACMG Guidelines, 2015. Collection method: clinical testing. Allele origin: germline.
Comment: The CACNA1A c.2403G>C variant is predicted to result in the amino acid substitution p.Glu801Asp. To our knowledge, this variant has not been reported in the literature or in a large population database (gnomAD), indicating this variant is rare. At this time, the clinical significance of this variant is uncertain due to the absence of conclusive functional and genetic evidence.